The following is an entry in ClinVar:

NM_002074.5(GNB1):c.177C>T (p.Tyr59=)

Gene: GNB1 (G protein subunit beta 1; minus strand). Cytogenetic location: 1p36.33.
Variant type: single nucleotide variant.
Coding change: c.177C>T on transcript NM_002074.5 (MANE Select); coding-DNA position 177, C replaced by T.
Protein change: p.Tyr59=; no amino-acid change (tyrosine 59 retained).
Molecular consequence: synonymous variant. On other transcripts: intron variant (1).
Genome position (GRCh38, 1-based): chr1:1,815,782, G>A on the plus strand (C>T on the coding strand, the complement: GNB1 is on the minus strand). VCF-style: chr1-1815782-G-A. GRCh37 (hg19) VCF-style: chr1-1747221-G-A.
Other names: c.177C>T, p.Tyr59= (NM_001282539.2); c.-97-9244C>T (NM_001282538.2).
Identifiers: ClinVar variation 745763 (VCV000745763.29), dbSNP rs144473385, ClinGen allele CA532120.

ClinVar aggregate classification (germline): Likely benign. Review status: criteria provided, multiple submitters, no conflicts (2 of 4 stars). 3 submissions from 3 submitters: Likely benign (3). Last evaluated 2026-01-21.

Allele frequency attached by ClinVar (database versions not stated): ExAC 0.00002; gnomAD exomes 0.00004 and 0.00006; gnomAD 0.00009; TOPMed 0.00012; ESP Exome Variant Server 0.00015.
gnomAD v4.1: 108 of 1,601,318 alleles (0.0067%); highest among the groups gnomAD compares: Admixed American, 0.013%; no homozygotes.

Submissions (3):

Labcorp Genetics (formerly Invitae), Labcorp
Classification: Likely benign. Last evaluated: 2026-01-21. Review status: criteria provided, single submitter. Criteria: Invitae Variant Classification Sherloc (09022015). Collection method: clinical testing. Allele origin: germline.

CeGaT Center for Human Genetics Tuebingen
Classification: Likely benign. Last evaluated: 2025-12-01. Review status: criteria provided, single submitter. Criteria: CeGaT Center For Human Genetics Tuebingen Variant Classification Criteria Version 2. Collection method: clinical testing. Allele origin: germline. Affected: yes. Observed: 2 variant alleles.
Comment: GNB1: BP4, BP7

Blueprint Genetics
Classification: Likely benign. Last evaluated: 2020-09-24. Review status: criteria provided, single submitter. Criteria: ACMG Guidelines, 2015. Collection method: clinical testing. Allele origin: germline.